The following is an entry in ClinVar:

NC_000006.12:g.(?_35805660)_(35819505_?)dup

Gene: LHFPL5 (LHFPL tetraspan subfamily member 5; plus strand). Cytogenetic location: 6p21.31.
Variant type: Duplication.
Identifiers: ClinVar variation 667257 (VCV000667257.4).

ClinVar aggregate classification (germline): Uncertain significance (1 of 4 stars; one submission).

Submission:

Laboratory for Molecular Medicine, Mass General Brigham Personalized Medicine
Classification: Uncertain significance. Last evaluated: 2018-11-28. Review status: criteria provided, single submitter. Criteria: LMM Criteria. Collection method: clinical testing. Allele origin: germline. Observed: 1 variant allele.
Comment: The duplication of exons 1-3 in LHFPL5 may represent a whole gene deletion. The LHFPL5 gene consists of four exons; however, as the last exon is non-coding, thi s exon is not captured by this test, and therefore it is unknown whether this ex on is contained in the duplication. Due to limitations of the testing technology exact breakpoints could not be determined. A duplication of this gene has not b een previously reported in individuals with hearing loss, but has been identifie d in 1/2504 individuals from 1000 Genomes Consortium Phase 3, reported by the Da tabase of Genomic Variants (Variant: esv3608694). In summary, the clinical signi ficance of this variant is uncertain.